The following is an entry in ClinVar:

NM_001082486.1(ACD):c.124G>C (p.Ala42Pro)

Genes: ACD (ACD shelterin complex subunit and telomerase recruitment factor; minus strand), LOC130059224 (ATAC-STARR-seq lymphoblastoid silent region 7617; plus strand). Cytogenetic location: 16q22.1.
Variant type: single nucleotide variant.
Coding change: c.124G>C on transcript NM_001082486.1; coding-DNA position 124, G replaced by C.
Protein change: p.Ala42Pro; replaces alanine 42 with proline.
Genome position (GRCh38, 1-based): chr16:67,660,355, C>G on the plus strand (G>C on the coding strand, the complement: ACD is on the minus strand). VCF-style: chr16-67660355-C-G. GRCh37 (hg19) VCF-style: chr16-67694258-C-G.
Other names: short protein forms A42P.
Identifiers: ClinVar variation 2562323 (VCV002562323.2), dbSNP rs749911340, ClinGen allele CA396359675.

ClinVar aggregate classification (germline): Uncertain significance (1 of 4 stars; one submission).

Conditions:
Inborn genetic diseases. Identifiers: MedGen C0950123, MeSH D030342.

Allele frequency attached by ClinVar (database versions not stated): gnomAD exomes below 0.00001.

Submission:

Ambry Genetics
Classification: Uncertain significance for Inborn genetic diseases. Last evaluated: 2023-06-05. Review status: criteria provided, single submitter. Criteria: Ambry Variant Classification Scheme 2023. Collection method: clinical testing. Allele origin: germline.
Comment: The p.A42P variant (also known as c.124G>C), located in coding exon 1 of the ACD gene, results from a G to C substitution at nucleotide position 124. The alanine at codon 42 is replaced by proline, an amino acid with highly similar properties. This amino acid position is conserved. In addition, this alteration is predicted to be tolerated by in silico analysis. Since supporting evidence is limited at this time, the clinical significance of this alteration remains unclear.